The following is an entry in ClinVar:

NM_000433.4(NCF2):c.1360C>T (p.Pro454Ser)

Gene: NCF2 (neutrophil cytosolic factor 2; minus strand). Cytogenetic location: 1q25.3.
Variant type: single nucleotide variant.
Coding change: c.1360C>T on transcript NM_000433.4 (MANE Select); coding-DNA position 1360, C replaced by T.
Protein change: p.Pro454Ser; replaces proline 454 with serine.
Molecular consequence: missense variant.
Genome position (GRCh38, 1-based): chr1:183,560,204, G>A on the plus strand (C>T on the coding strand, the complement: NCF2 is on the minus strand). VCF-style: chr1-183560204-G-A. GRCh37 (hg19) VCF-style: chr1-183529339-G-A.
Other names: p.Pro454Ser; c.1360C>T, p.Pro454Ser (NM_001127651.3); c.1117C>T, p.Pro373Ser (NM_001190789.2); c.1225C>T, p.Pro409Ser (NM_001190794.2); short protein forms P454S, P373S, P409S.
Identifiers: ClinVar variation 294076 (VCV000294076.56), dbSNP rs55761650, ClinGen allele CA1284603.
Genomic context (GRCh38, chr1:183,560,204, plus strand): 5'-CTGGTTGGGTAGCCTCATAACTGAAGAGTGCCTCCACTTGGCTGCCTTTCTTAAGCTGAG[G>A]TTCTGTTGTCTGGTTATTAGCATCAGCTTTTTCACTTTCCTTGGGTTCATCTGGAAAGCC-3'
Protein context (NP_000424.2, residues 444-464): KADANNQTTE[Pro454Ser]QLKKGSQVEA

ClinVar aggregate classification (germline): Benign/Likely benign. Review status: criteria provided, multiple submitters, no conflicts (2 of 4 stars). 10 submissions from 10 submitters: Benign (4); Likely benign (5). 1 of the submissions does not count toward it. Last evaluated 2026-05-01.

Conditions:
NCF2-related disorder. Also called: NCF2-related condition.
Granulomatous disease, chronic, autosomal recessive, cytochrome b-positive, type 2. Also called: Chronic granulomatous disease due to deficiency of NCF-2; CGD, AUTOSOMAL RECESSIVE CYTOCHROME b-POSITIVE, TYPE II; GRANULOMATOUS DISEASE, CHRONIC, AUTOSOMAL RECESSIVE, 2; GRANULOMATOUS DISEASE, CHRONIC, DUE TO NCF2 DEFICIENCY; Chronic Granulomatous Disease, Autosomal Recessive, Cytochrome b-Positive, Type II. Identifiers: Orphanet 379, MedGen C1856245, MONDO:0009310, OMIM 233710.

Allele frequency attached by ClinVar (database versions not stated): 1000 Genomes Project 30x 0.00234; 1000 Genomes Project 0.00280; gnomAD 0.00401; ExAC 0.00412; TOPMed 0.00539; ESP Exome Variant Server 0.00554.
gnomAD v4.1: 9,901 of 1,614,138 alleles (0.61%); highest among the groups gnomAD compares: Non-Finnish European, 0.72%; 37 homozygotes.

Submissions (10):

CeGaT Center for Human Genetics Tuebingen
Classification: Likely benign. Last evaluated: 2026-05-01. Review status: criteria provided, single submitter. Criteria: CeGaT Center For Human Genetics Tuebingen Variant Classification Criteria Version 2. Collection method: clinical testing. Allele origin: germline. Affected: yes. Observed: 9 variant alleles.
Comment: NCF2: BP4, BS2

Labcorp Genetics (formerly Invitae), Labcorp
Classification: Benign for Granulomatous disease, chronic, autosomal recessive, cytochrome b-positive, type 2. Last evaluated: 2026-02-02. Review status: criteria provided, single submitter. Criteria: Invitae Variant Classification Sherloc (09022015). Collection method: clinical testing. Allele origin: germline.

Mayo Clinic Laboratories, Mayo Clinic
Classification: Benign. Last evaluated: 2024-11-25. Review status: criteria provided, single submitter. Criteria: ACMG Guidelines, 2015. Collection method: clinical testing. Allele origin: germline. Observed: 7 variant alleles.
Comment: BS1, BS2, BP4

Blueprint Genetics
Classification: Likely benign. Last evaluated: 2024-11-23. Review status: criteria provided, single submitter. Criteria: ACMG Guidelines, 2015. Collection method: clinical testing. Allele origin: germline.

Women's Health and Genetics/Laboratory Corporation of America, LabCorp
Classification: Benign. Last evaluated: 2022-07-01. Review status: criteria provided, single submitter. Criteria: LabCorp Variant Classification Summary - May 2015. Collection method: clinical testing. Allele origin: germline.
Comment: Variant summary: NCF2 c.1360C>T (p.Pro454Ser) results in a non-conservative amino acid change in the encoded protein sequence. Four of five in-silico tools predict a benign effect of the variant on protein function. The variant allele was found at a frequency of 0.0045 in 251468 control chromosomes (gnomAD), predominantly at a frequency of 0.0066 within the Non-Finnish European subpopulation in the gnomAD database, including 2 homozygotes. The observed variant frequency within Non-Finnish European control individuals in the gnomAD database is approximately 11-fold of the estimated maximal expected allele frequency for a pathogenic variant in NCF2 causing Chronic Granulomatous Disease (0.00061), strongly suggesting that the variant is a benign polymorphism found primarily in populations of Non-Finnish European origin. To our knowledge, no penetrant association of c.1360C>T in individuals affected with Chronic Granulomatous Disease and no experimental evidence demonstrating an impact on protein function has been reported. Four clinical diagnostic laboratories have submitted clinical-significance assessments for this variant to ClinVar after 2014 and all laboratories classified the variant as benign/likely benign. Based on the evidence outlined above, the variant was classified as benign.

Fulgent Genetics
Classification: Likely benign for Granulomatous disease, chronic, autosomal recessive, cytochrome b-positive, type 2. Last evaluated: 2022-04-26. Review status: criteria provided, single submitter. Criteria: ACMG Guidelines, 2015. Collection method: clinical testing. Allele origin: unknown.

GeneDx
Classification: Benign. Last evaluated: 2018-11-05. Review status: criteria provided, single submitter. Criteria: GeneDx Variant Classification Process June 2021. Collection method: clinical testing. Allele origin: germline. Affected: yes.
Comment: This variant is associated with the following publications: (PMID: 29454792)

Illumina Laboratory Services, Illumina
Classification: Likely benign for Granulomatous disease, chronic, autosomal recessive, cytochrome b-positive, type 2. Last evaluated: 2018-01-13. Review status: criteria provided, single submitter. Criteria: ICSL Variant Classification Criteria 13 December 2019. Collection method: clinical testing. Allele origin: germline.
Comment: This variant was observed in the ICSL laboratory as part of a predisposition screen in an ostensibly healthy population. It had not been previously curated by ICSL or reported in the Human Gene Mutation Database (HGMD: prior to June 1st, 2018), and was therefore a candidate for classification through an automated scoring system. Utilizing variant allele frequency, disease prevalence and penetrance estimates, and inheritance mode, an automated score was calculated to assess if this variant is too frequent to cause the disease. Based on the score and internal cut-off values, a variant classified as likely benign is not then subjected to further curation. The score for this variant resulted in a classification of likely benign for this disease.

Eurofins Ntd Llc (ga)
Classification: Likely benign. Last evaluated: 2016-12-01. Review status: criteria provided, single submitter. Criteria: EGL Classification Definitions 2015. Collection method: clinical testing. Allele origin: germline. Observed: 1 variant allele, 1 heterozygote.

PreventionGenetics, part of Exact Sciences
Classification: Likely benign for NCF2-related condition. Last evaluated: 2019-07-02. Review status: no assertion criteria provided. Collection method: clinical testing. Allele origin: germline. Not counted in ClinVar's aggregate classification.
Comment: This variant is classified as likely benign based on ACMG/AMP sequence variant interpretation guidelines (Richards et al. 2015 PMID: 25741868, with internal and published modifications).

Literature cited by the submitters: PubMed 28750028 (cited by Women's Health and Genetics/Laboratory Corporation of America, LabCorp); PubMed 29454792 (cited by Women's Health and Genetics/Laboratory Corporation of America, LabCorp).